The following is an entry in ClinVar:

ClinVar aggregate classification (germline): Benign (0 of 4 stars; one submission).

Conditions:
COL25A1-related disorder. Also called: COL25A1-related condition.

Allele frequency attached by ClinVar (database versions not stated): 1000 Genomes Project 0.04792; 1000 Genomes Project 30x 0.04934; TOPMed 0.09070; gnomAD 0.09609; gnomAD exomes 0.12590.
gnomAD v4.1: 189,617 of 1,549,486 alleles (12%); highest among the groups gnomAD compares: Non-Finnish European, 14%; 12,976 homozygotes.

Submission:

PreventionGenetics, part of Exact Sciences
Classification: Benign for COL25A1-related condition. Last evaluated: 2019-09-24. Review status: no assertion criteria provided. Collection method: clinical testing. Allele origin: germline.
Comment: This variant is classified as benign based on ACMG/AMP sequence variant interpretation guidelines (Richards et al. 2015 PMID: 25741868, with internal and published modifications).

NM_198721.4(COL25A1):c.493-777G>A

Gene: COL25A1 (collagen type XXV alpha 1 chain; minus strand). Cytogenetic location: 4q25.
Variant type: single nucleotide variant.
Coding change: c.493-777G>A on transcript NM_198721.4 (MANE Select); 777 bases into the intron before coding-DNA position 493, G replaced by A.
Molecular consequence: intron variant. On other transcripts: missense variant (1).
Genome position (GRCh38, 1-based): chr4:108,942,214, C>T on the plus strand (G>A on the coding strand, the complement: COL25A1 is on the minus strand). VCF-style: chr4-108942214-C-T. GRCh37 (hg19) VCF-style: chr4-109863370-C-T.
Other names: c.547G>A, p.Val183Ile (NM_001256074.3); c.493-777G>A (NM_032518.4); short protein forms V183I.
Identifiers: ClinVar variation 3060465 (VCV003060465.2), dbSNP rs17531474, ClinGen allele CA3039763.